The following is an entry in ClinVar:

NM_007180.3(TREH):c.983T>C (p.Ile328Thr)

Gene: TREH (trehalase; minus strand). Cytogenetic location: 11q23.3.
Variant type: single nucleotide variant.
Coding change: c.983T>C on transcript NM_007180.3 (MANE Select); coding-DNA position 983, T replaced by C.
Protein change: p.Ile328Thr; replaces isoleucine 328 with threonine.
Molecular consequence: missense variant.
Genome position (GRCh38, 1-based): chr11:118,660,658, A>G on the plus strand (T>C on the coding strand, the complement: TREH is on the minus strand). VCF-style: chr11-118660658-A-G. GRCh37 (hg19) VCF-style: chr11-118531367-A-G.
Other names: c.890T>C, p.Ile297Thr (NM_001301065.2); short protein forms I297T, I328T.
Identifiers: ClinVar variation 3250515 (VCV003250515.18), dbSNP rs200440695.

ClinVar aggregate classification (germline): Likely benign (1 of 4 stars; one submission).

Allele frequency attached by ClinVar (database versions not stated): 1000 Genomes Project 0.00100; 1000 Genomes Project 30x 0.00125; gnomAD 0.00281; TOPMed 0.00297; ExAC 0.00374; ESP Exome Variant Server 0.00412.
gnomAD v4.1: 6,804 of 1,606,018 alleles (0.42%); highest among the groups gnomAD compares: Middle Eastern, 0.55%; 15 homozygotes.

Submission:

CeGaT Center for Human Genetics Tuebingen
Classification: Likely benign. Last evaluated: 2024-06-01. Review status: criteria provided, single submitter. Criteria: CeGaT Center For Human Genetics Tuebingen Variant Classification Criteria Version 2. Collection method: clinical testing. Allele origin: germline. Affected: yes. Observed: 1 variant allele.
Comment: TREH: BP4